The following is an entry in ClinVar:

ClinVar aggregate classification (germline): Benign/Likely benign. Review status: criteria provided, multiple submitters, no conflicts (2 of 4 stars). 4 submissions from 4 submitters: Benign (1); Likely benign (2). 1 of the submissions does not count toward it. Last evaluated 2026-02-12.

Conditions:
TCF3-related disorder. Also called: TCF3-related condition.

Allele frequency attached by ClinVar (database versions not stated): gnomAD exomes 0.00018 and 0.00045; ExAC 0.00063; ESP Exome Variant Server 0.00170; TOPMed 0.00186; gnomAD 0.00197 and 0.00207; 1000 Genomes Project 0.00319; 1000 Genomes Project 30x 0.00359.
gnomAD v4.1: 574 of 1,589,128 alleles (0.036%); highest among the groups gnomAD compares: African/African-American, 0.66%; 4 homozygotes.

Submissions (4):

Women's Health and Genetics/Laboratory Corporation of America, LabCorp
Classification: Likely benign. Last evaluated: 2026-02-12. Review status: criteria provided, single submitter. Criteria: LabCorp Variant Classification Summary - May 2015. Collection method: clinical testing. Allele origin: germline.
Comment: Variant summary: TCF3 c.1271C>T (p.Ala424Val) results in a non-conservative amino acid change in the encoded protein sequence. Algorithms developed to predict the effect of missense changes on protein structure and function are either unavailable or do not agree on the potential impact of this missense change. The variant allele was found at a frequency of 0.00045 in 222108 control chromosomes, predominantly at a frequency of 0.0057 within the African or African-American subpopulation in the gnomAD database, including 1 homozygote. The observed variant frequency within African or African-American control individuals in the gnomAD database exceeds the estimated maximal expected allele frequency for disease-causing variants in TCF3. To our knowledge, no occurrence of c.1271C>T in individuals affected with TCF3-related conditions and no experimental evidence demonstrating its impact on protein function have been reported. ClinVar contains an entry for this variant (Variation ID: 1164701). Based on the evidence outlined above, the variant was classified as likely benign.

Labcorp Genetics (formerly Invitae), Labcorp
Classification: Benign. Last evaluated: 2026-01-11. Review status: criteria provided, single submitter. Criteria: Invitae Variant Classification Sherloc (09022015). Collection method: clinical testing. Allele origin: germline.

Blueprint Genetics
Classification: Likely benign. Last evaluated: 2024-11-01. Review status: criteria provided, single submitter. Criteria: ACMG Guidelines, 2015. Collection method: clinical testing. Allele origin: germline.

PreventionGenetics, part of Exact Sciences
Classification: Benign for TCF3-related condition. Last evaluated: 2021-04-14. Review status: no assertion criteria provided. Collection method: clinical testing. Allele origin: germline. Not counted in ClinVar's aggregate classification.
Comment: This variant is classified as benign based on ACMG/AMP sequence variant interpretation guidelines (Richards et al. 2015 PMID: 25741868, with internal and published modifications).

NM_003200.5(TCF3):c.1271C>T (p.Ala424Val)

Gene: TCF3 (transcription factor 3; minus strand). Cytogenetic location: 19p13.3.
Variant type: single nucleotide variant.
Coding change: c.1271C>T on transcript NM_003200.5 (MANE Select); coding-DNA position 1271, C replaced by T.
Protein change: p.Ala424Val; replaces alanine 424 with valine.
Molecular consequence: missense variant.
Genome position (GRCh38, 1-based): chr19:1,619,371, G>A on the plus strand (C>T on the coding strand, the complement: TCF3 is on the minus strand). VCF-style: chr19-1619371-G-A. GRCh37 (hg19) VCF-style: chr19-1619370-G-A.
Other names: c.1271C>T (NM_003200.3); c.1271C>T, p.Ala424Val (NM_001136139.4, NM_001351779.2); c.1268C>T, p.Ala423Val (NM_001351778.2); short protein forms A423V, A424V.
Identifiers: ClinVar variation 1164701 (VCV001164701.13), dbSNP rs76459051, ClinGen allele CA9049954.